The following is an entry in ClinVar:

NM_004006.3(DMD):c.358-2A>G

Gene: DMD (dystrophin; minus strand). Cytogenetic location: Xp21.1.
Variant type: single nucleotide variant.
Coding change: c.358-2A>G on transcript NM_004006.3 (MANE Select); the canonical splice acceptor site of the intron before coding-DNA position 358, A replaced by G.
Molecular consequence: splice acceptor variant.
Genome position (GRCh38, 1-based): chrX:32,816,642, T>C on the plus strand (A>G on the coding strand, the complement: DMD is on the minus strand). VCF-style: chrX-32816642-T-C. GRCh37 (hg19) VCF-style: chrX-32834759-T-C.
Other names: c.334-2A>G (NM_000109.4); c.346-2A>G (NM_004009.3); c.-12-2A>G (NM_004010.3).
Identifiers: ClinVar variation 217196 (VCV000217196.10), dbSNP rs863224996, ClinGen allele CA347561.
Genomic context (GRCh38, chrX:32,816,642, plus strand): 5'-ATCTTTTCACTGTTGGTTTGTTGCAATCCAGCCATGATATTTTTCATTACATTTTTGACC[T>C]ACATGTGGAAATAAATTTTCATAAGAAAATGCATTCCTTGAGCAAGAACCATGCAAACTT-3'

ClinVar aggregate classification (germline): Pathogenic. Review status: criteria provided, multiple submitters, no conflicts (2 of 4 stars). 2 submissions from 2 submitters: Pathogenic (2). Last evaluated 2022-03-18.

Conditions:
Duchenne muscular dystrophy (DMD). Also called: MUSCULAR DYSTROPHY, PSEUDOHYPERTROPHIC PROGRESSIVE, DUCHENNE TYPE; Duchenne Muscular Dystrophy (DMD). Identifiers: Orphanet 98896, MedGen C0013264, MONDO:0010679, OMIM 310200.

Submissions (2):

Labcorp Genetics (formerly Invitae), Labcorp
Classification: Pathogenic for Duchenne muscular dystrophy. Last evaluated: 2022-03-18. Review status: criteria provided, single submitter. Criteria: Invitae Variant Classification Sherloc (09022015). Collection method: clinical testing. Allele origin: germline.
Comment: For these reasons, this variant has been classified as Pathogenic. Algorithms developed to predict the effect of sequence changes on RNA splicing suggest that this variant may disrupt the consensus splice site. ClinVar contains an entry for this variant (Variation ID: 217196). Disruption of this splice site has been observed in individuals with DMD-related dystrophinopathy (PMID: 15351422, 19937601). This variant is not present in population databases (gnomAD no frequency). This sequence change affects an acceptor splice site in intron 5 of the DMD gene. It is expected to disrupt RNA splicing. Variants that disrupt the donor or acceptor splice site typically lead to a loss of protein function (PMID: 16199547), and loss-of-function variants in DMD are known to be pathogenic (PMID: 16770791, 25007885).

Athena Diagnostics
Classification: Pathogenic for Duchenne muscular dystrophy. Last evaluated: 2014-05-13. Review status: criteria provided, single submitter. Criteria: Athena Diagnostics Criteria. Collection method: clinical testing. Allele origin: germline. Inheritance: X-linked recessive inheritance.
Comment: X-linked recessive inheritance

Literature cited by the submitters: PubMed 15351422 (cited by Labcorp Genetics (formerly Invitae), Labcorp and Athena Diagnostics); PubMed 19937601 (cited by Labcorp Genetics (formerly Invitae), Labcorp); PubMed 16199547 (cited by Labcorp Genetics (formerly Invitae), Labcorp); PubMed 16770791 (cited by Labcorp Genetics (formerly Invitae), Labcorp); PubMed 25007885 (cited by Labcorp Genetics (formerly Invitae), Labcorp).